The following is an entry in ClinVar:

ClinVar aggregate classification (germline): Pathogenic (1 of 4 stars; one submission).

Submission:

Labcorp Genetics (formerly Invitae), Labcorp
Classification: Pathogenic. Last evaluated: 2026-01-07. Review status: criteria provided, single submitter. Criteria: Invitae Variant Classification Sherloc (09022015). Collection method: clinical testing. Allele origin: germline.
Comment: This sequence change creates a premature translational stop signal (p.Ser213Leufs*16) in the FGG gene. It is expected to result in an absent or disrupted protein product. Loss-of-function variants in FGG are known to be pathogenic (PMID: 23852822). This variant is not present in population databases (gnomAD no frequency). This premature translational stop signal has been observed in individual(s) with clinical features of FGG-related conditions (PMID: 26540127). For these reasons, this variant has been classified as Pathogenic.

Literature cited by the submitters: PubMed 23852822; PubMed 26540127.

NM_021870.3(FGG):c.637del (p.Ser213fs)

Gene: FGG (fibrinogen gamma chain; minus strand). Cytogenetic location: 4q32.1.
Variant type: Deletion.
Coding change: c.637del on transcript NM_021870.3 (MANE Select); coding-DNA position 637, one base deleted (T; older notation c.637delT).
Protein change: p.Ser213fs; shifts the reading frame from serine 213.
Molecular consequence: frameshift variant.
Genome position (GRCh38, 1-based): chr4:154,609,659, A deleted on the plus strand (T on the coding strand, the reverse complement: FGG is on the minus strand). VCF-style (leftmost placement, unchanged base first): chr4-154609658-GA-G. GRCh37 (hg19) VCF-style: chr4-155530810-GA-G.
Other names: c.637del, p.Ser213fs (NM_000509.6); short protein forms S213fs.
Identifiers: ClinVar variation 4747417 (VCV004747417.1).
Genomic context (GRCh38, chr4:154,609,658, plus strand): 5'-TTATTAAATACACATGGTGGGGAAAAAATTACCTTCTGAAACACAGTCCATCCATTTCCA[GA>G]CCCATCGATTTCACAGTAGACTAAGAATTGCTGGTTAGCTTTCAGAGGTTTAATAAAGTA-3'